The following is an entry in ClinVar:

ClinVar aggregate classification (germline): Likely benign. Review status: reviewed by expert panel (3 of 4 stars). 7 submissions from 7 submitters: Likely benign (1). 6 of the submissions do not count toward it. Last evaluated 2017-06-29.

Conditions:
Hereditary cancer-predisposing syndrome. Also called: Tumor predisposition; Hereditary Cancer Syndrome; Hereditary neoplastic syndrome; Neoplastic Syndromes, Hereditary. Identifiers: Orphanet 140162, MedGen C0027672, MeSH D009386, MONDO:0015356.
Breast-ovarian cancer, familial, susceptibility to, 2 (BROVCA2). Also called: BRCA2 Hereditary Breast and Ovarian Cancer. Identifiers: Orphanet 145, MedGen C2675520, MONDO:0012933, OMIM 612555. Disease mechanism: loss of function.
Hereditary breast ovarian cancer syndrome. Also called: Hereditary breast and ovarian cancer; Hereditary breast and ovarian cancer syndrome; Hereditary breast and/or ovarian cancer syndrome; Hereditary breast and ovarian cancer syndrome (HBOC); BRCA1- and BRCA2-Associated Hereditary Breast and Ovarian Cancer; Breast and ovarian cancer. Identifiers: Orphanet 145, MedGen C0677776, MeSH D061325, MONDO:0003582. Disease mechanism: loss of function.

Allele frequency attached by ClinVar (database versions not stated): gnomAD exomes below 0.00001.
gnomAD v4.1: 1 of 1,612,774 alleles (0.000062%); highest among the groups gnomAD compares: Non-Finnish European, 0.000085%; no homozygotes.

Submissions (7):

Evidence-based Network for the Interpretation of Germline Mutant Alleles (ENIGMA)
Classification: Likely benign for Breast-ovarian cancer, familial, susceptibility to, 2. Last evaluated: 2017-06-29. Review status: reviewed by expert panel. Criteria: ENIGMA BRCA1/2 Classification Criteria (2017-06-29). Collection method: curation. Allele origin: germline.
Comment: Synonymous substitution variant, with low bioinformatic likelihood to result in a splicing aberration (Splicing prior probability 0.02).

Labcorp Genetics (formerly Invitae), Labcorp
Classification: Likely benign for Hereditary breast ovarian cancer syndrome. Last evaluated: 2025-12-02. Review status: criteria provided, single submitter. Criteria: Invitae Variant Classification Sherloc (09022015). Collection method: clinical testing. Allele origin: germline. Not counted in ClinVar's aggregate classification.

Blueprint Genetics
Classification: Likely benign. Last evaluated: 2023-07-04. Review status: criteria provided, single submitter. Criteria: ACMG Guidelines, 2015. Collection method: clinical testing. Allele origin: germline. Not counted in ClinVar's aggregate classification.

Color Diagnostics, LLC DBA Color Health
Classification: Likely benign for Hereditary cancer-predisposing syndrome. Last evaluated: 2022-01-31. Review status: criteria provided, single submitter. Criteria: ACMG Guidelines, 2015. Collection method: clinical testing. Allele origin: germline. Not counted in ClinVar's aggregate classification.

CeGaT Center for Human Genetics Tuebingen
Classification: Likely benign. Last evaluated: 2021-06-01. Review status: criteria provided, single submitter. Criteria: CeGaT Center For Human Genetics Tuebingen Variant Classification Criteria Version 2. Collection method: clinical testing. Allele origin: germline. Affected: yes. Observed: 1 variant allele. Not counted in ClinVar's aggregate classification.

Ambry Genetics
Classification: Likely benign for Hereditary cancer-predisposing syndrome. Last evaluated: 2021-03-02. Review status: criteria provided, single submitter. Criteria: Ambry Variant Classification Scheme 2023. Collection method: clinical testing. Allele origin: germline. Not counted in ClinVar's aggregate classification.

GeneDx
Classification: Likely benign. Last evaluated: 2015-10-26. Review status: criteria provided, single submitter. Criteria: GeneDx Variant Classification (06012015). Collection method: clinical testing. Allele origin: germline. Affected: yes. Not counted in ClinVar's aggregate classification.
Comment: This variant is considered likely benign or benign based on one or more of the following criteria: it is a conservative change, it occurs at a poorly conserved position in the protein, it is predicted to be benign by multiple in silico algorithms, and/or has population frequency not consistent with disease.

NM_000059.4(BRCA2):c.1743C>T (p.Ser581=)

Gene: BRCA2 (BRCA2 DNA repair associated; plus strand). Cytogenetic location: 13q13.1.
Variant type: single nucleotide variant.
Coding change: c.1743C>T on transcript NM_000059.4 (MANE Select); coding-DNA position 1743, C replaced by T.
Protein change: p.Ser581=; no amino-acid change (serine 581 retained).
Molecular consequence: synonymous variant.
Genome position (GRCh38, 1-based): chr13:32,333,221, C>T. VCF-style: chr13-32333221-C-T. GRCh37 (hg19) VCF-style: chr13-32907358-C-T.
Identifiers: ClinVar variation 377578 (VCV000377578.51), dbSNP rs1057520248, ClinGen allele CA16606779.